The following is an entry in ClinVar:

ClinVar aggregate classification (germline): Uncertain significance. Review status: criteria provided, multiple submitters, no conflicts (2 of 4 stars). 2 submissions from 2 submitters: Uncertain significance (2). Last evaluated 2024-07-14.

Conditions:
Hereditary hyperekplexia. Identifiers: Orphanet 3197, MedGen C4084968, MONDO:0021022.
Hyperekplexia 1 (STHE). Also called: KOK DISEASE; STARTLE DISEASE, FAMILIAL; STIFF-BABY SYNDROME; STIFF-MAN SYNDROME, CONGENITAL; STIFF-PERSON SYNDROME, CONGENITAL; HYPEREKPLEXIA 1, AUTOSOMAL DOMINANT. Identifiers: Orphanet 3197, MedGen C4551954, MONDO:0007868, OMIM 149400.

Allele frequency attached by ClinVar (database versions not stated): TOPMed 0.00001.
gnomAD v4.1: 11 of 1,613,782 alleles (0.00068%); highest among the groups gnomAD compares: East Asian, 0.0089%; no homozygotes.

Submissions (2):

Labcorp Genetics (formerly Invitae), Labcorp
Classification: Uncertain significance for Hereditary hyperekplexia. Last evaluated: 2024-07-14. Review status: criteria provided, single submitter. Criteria: Invitae Variant Classification Sherloc (09022015). Collection method: clinical testing. Allele origin: germline.
Comment: This sequence change replaces valine, which is neutral and non-polar, with methionine, which is neutral and non-polar, at codon 204 of the GLRA1 protein (p.Val204Met). This variant is not present in population databases (gnomAD no frequency). This variant has not been reported in the literature in individuals affected with GLRA1-related conditions. ClinVar contains an entry for this variant (Variation ID: 464192). Advanced modeling of protein sequence and biophysical properties (such as structural, functional, and spatial information, amino acid conservation, physicochemical variation, residue mobility, and thermodynamic stability) performed at Invitae indicates that this missense variant is expected to disrupt GLRA1 protein function with a positive predictive value of 80%. In summary, the available evidence is currently insufficient to determine the role of this variant in disease. Therefore, it has been classified as a Variant of Uncertain Significance.

Illumina Laboratory Services, Illumina
Classification: Uncertain significance for Hyperekplexia 1. Last evaluated: 2018-01-12. Review status: criteria provided, single submitter. Criteria: ICSL Variant Classification Criteria 13 December 2019. Collection method: clinical testing. Allele origin: germline.

NM_000171.4(GLRA1):c.610G>A (p.Val204Met)

Gene: GLRA1 (glycine receptor alpha 1; minus strand). Cytogenetic location: 5q33.1.
Variant type: single nucleotide variant.
Coding change: c.610G>A on transcript NM_000171.4 (MANE Select); coding-DNA position 610, G replaced by A.
Protein change: p.Val204Met; replaces valine 204 with methionine.
Molecular consequence: missense variant.
Genome position (GRCh38, 1-based): chr5:151,855,127, C>T on the plus strand (G>A on the coding strand, the complement: GLRA1 is on the minus strand). VCF-style: chr5-151855127-C-T. GRCh37 (hg19) VCF-style: chr5-151234688-C-T.
Other names: c.610G>A, p.Val204Met (NM_001146040.2); c.361G>A, p.Val121Met (NM_001292000.2); short protein forms V204M, V121M.
Identifiers: ClinVar variation 464192 (VCV000464192.14), dbSNP rs1554083817, ClinGen allele CA361839957.